The following is an entry in ClinVar:

ClinVar aggregate classification (germline): Benign (1 of 4 stars; one submission).

Conditions:
DICER1-related tumor predisposition. Also called: DICER1 syndrome; DICER1-related pleuropulmonary blastoma cancer predisposition syndrome. Identifiers: Orphanet 284343, MedGen C3839822, MONDO:0100216.

Allele frequency attached by ClinVar (database versions not stated): gnomAD exomes 0.00001; TOPMed 0.00005; gnomAD 0.00006 and 0.00009; 1000 Genomes Project 30x 0.00078; 1000 Genomes Project 0.00080.
gnomAD v4.1: 15 of 231,938 alleles (0.0065%); highest among the groups gnomAD compares: East Asian, 0.092%; no homozygotes.

Submission:

Illumina Laboratory Services, Illumina
Classification: Benign for Pleuropulmonary blastoma. Last evaluated: 2018-01-12. Review status: criteria provided, single submitter. Criteria: ICSL Variant Classification Criteria 13 December 2019. Collection method: clinical testing. Allele origin: germline.
Comment: This variant was observed in the ICSL laboratory as part of a predisposition screen in an ostensibly healthy population. It had not been previously curated by ICSL or reported in the Human Gene Mutation Database (HGMD: prior to June 1st, 2018), and was therefore a candidate for classification through an automated scoring system. Utilizing variant allele frequency, disease prevalence and penetrance estimates, and inheritance mode, an automated score was calculated to assess if this variant is too frequent to cause the disease. Based on the score and internal cut-off values, a variant classified as benign is not then subjected to further curation. The score for this variant resulted in a classification of benign for this disease.

NM_177438.3(DICER1):c.*915A>G

Gene: DICER1 (dicer 1, ribonuclease III; minus strand). Cytogenetic location: 14q32.13.
Variant type: single nucleotide variant.
Coding change: c.*915A>G on transcript NM_177438.3 (MANE Select); 915 bases downstream of the stop codon, A replaced by G.
Molecular consequence: 3 prime UTR variant.
Genome position (GRCh38, 1-based): chr14:95,089,583, T>C on the plus strand (A>G on the coding strand, the complement: DICER1 is on the minus strand). VCF-style: chr14-95089583-T-C. GRCh37 (hg19) VCF-style: chr14-95555920-T-C.
Other names: c.*1031A>G (NM_001195573.1); c.*915A>G (NM_001271282.3, NM_001291628.2, NM_030621.4).
Identifiers: ClinVar variation 886859 (VCV000886859.5), dbSNP rs541737776, ClinGen allele CA265894035.